The following is an entry in ClinVar:

ClinVar aggregate classification (germline): Uncertain significance. Review status: criteria provided, multiple submitters, no conflicts (2 of 4 stars). 3 submissions from 3 submitters: Uncertain significance (3). Last evaluated 2026-01-07.

Conditions:
Inborn genetic diseases. Identifiers: MedGen C0950123, MeSH D030342.
Charcot-Marie-Tooth disease type 2. Also called: Charcot-Marie-Tooth type 2. Identifiers: Orphanet 64746, MedGen C0270914, MONDO:0018993.

Allele frequency attached by ClinVar (database versions not stated): ExAC 0.00002; TOPMed 0.00006; ESP Exome Variant Server 0.00008; gnomAD 0.00002; gnomAD exomes 0.00001.
gnomAD v4.1: 7 of 1,613,758 alleles (0.00043%); highest among the groups gnomAD compares: African/African-American, 0.0067%; no homozygotes.

Submissions (3):

GeneDx
Classification: Uncertain significance. Last evaluated: 2026-01-07. Review status: criteria provided, single submitter. Criteria: GeneDx Variant Classification Process June 2021. Collection method: clinical testing. Allele origin: germline. Affected: yes.
Comment: Has not been previously published as pathogenic or benign to our knowledge; In silico analysis suggests that this missense variant does not alter protein structure/function

Ambry Genetics
Classification: Uncertain significance for Inborn genetic diseases. Last evaluated: 2025-05-15. Review status: criteria provided, single submitter. Criteria: Ambry Variant Classification Scheme 2023. Collection method: clinical testing. Allele origin: germline.

Labcorp Genetics (formerly Invitae), Labcorp
Classification: Uncertain significance for Charcot-Marie-Tooth disease type 2. Last evaluated: 2025-04-11. Review status: criteria provided, single submitter. Criteria: Invitae Variant Classification Sherloc (09022015). Collection method: clinical testing. Allele origin: germline.
Comment: This sequence change replaces arginine, which is basic and polar, with threonine, which is neutral and polar, at codon 757 of the MFN2 protein (p.Arg757Thr). This variant is present in population databases (rs377146672, gnomAD 0.02%). This variant has not been reported in the literature in individuals affected with MFN2-related conditions. ClinVar contains an entry for this variant (Variation ID: 1788780). Invitae Evidence Modeling of protein sequence and biophysical properties (such as structural, functional, and spatial information, amino acid conservation, physicochemical variation, residue mobility, and thermodynamic stability) indicates that this missense variant is not expected to disrupt MFN2 protein function with a negative predictive value of 95%. In summary, the available evidence is currently insufficient to determine the role of this variant in disease. Therefore, it has been classified as a Variant of Uncertain Significance.

NM_014874.4(MFN2):c.2270G>C (p.Arg757Thr)

Gene: MFN2 (mitofusin 2; plus strand). Cytogenetic location: 1p36.22.
Variant type: single nucleotide variant.
Coding change: c.2270G>C on transcript NM_014874.4 (MANE Select); coding-DNA position 2270, G replaced by C.
Protein change: p.Arg757Thr; replaces arginine 757 with threonine.
Molecular consequence: missense variant.
Genome position (GRCh38, 1-based): chr1:12,011,561, G>C. VCF-style: chr1-12011561-G-C. GRCh37 (hg19) VCF-style: chr1-12071618-G-C.
Other names: c.2270G>C, p.Arg757Thr (NM_001127660.2); short protein forms R757T.
Identifiers: ClinVar variation 1788780 (VCV001788780.10), dbSNP rs377146672, ClinGen allele CA599384.
Genomic context (GRCh38, chr1:12,011,561, plus strand): 5'-AAGCCGGTTGGTTGGACAGTGAGCTCAACATGTTCACACACCAGTACCTGCAGCCCAGCA[G>C]ATAGTGGGCACCTGAGGCGGAGTCTGCGTGGAGAGGGGCGGTGCTGCCAGCCCTAAGTGC-3'
Protein context (NP_055689.1, residues 747-757): MFTHQYLQPS[Arg757Thr]